The following is an entry in ClinVar:

ClinVar aggregate classification (germline): Likely benign (1 of 4 stars; one submission).

Allele frequency attached by ClinVar (database versions not stated): gnomAD exomes below 0.00001; ExAC 0.00001; gnomAD 0.00001; 1000 Genomes Project 30x 0.00016; 1000 Genomes Project 0.00020.
gnomAD v4.1: 5 of 1,614,142 alleles (0.00031%); highest among the groups gnomAD compares: Non-Finnish European, 0.00042%; no homozygotes.

Submission:

CeGaT Center for Human Genetics Tuebingen
Classification: Likely benign. Last evaluated: 2023-07-01. Review status: criteria provided, single submitter. Criteria: CeGaT Center For Human Genetics Tuebingen Variant Classification Criteria Version 2. Collection method: clinical testing. Allele origin: germline. Affected: yes. Observed: 1 variant allele.
Comment: ARHGEF10: BP4, BP7

NM_014629.4(ARHGEF10):c.330C>T (p.Pro110=)

Gene: ARHGEF10 (Rho guanine nucleotide exchange factor 10; plus strand). Cytogenetic location: 8p23.3.
Variant type: single nucleotide variant.
Coding change: c.330C>T on transcript NM_014629.4 (MANE Select); coding-DNA position 330, C replaced by T.
Protein change: p.Pro110=; no amino-acid change (proline 110 retained).
Molecular consequence: synonymous variant.
Genome position (GRCh38, 1-based): chr8:1,860,033, C>T. VCF-style: chr8-1860033-C-T. GRCh37 (hg19) VCF-style: chr8-1808199-C-T.
Other names: c.330C>T, p.Pro110= (NM_001308152.2, NM_001308153.3).
Identifiers: ClinVar variation 2579042 (VCV002579042.25), dbSNP rs151043667, ClinGen allele CA4599719.
Genomic context (GRCh38, chr8:1,860,033, plus strand): 5'-CCCATATTCTGTCATCGACATCACGCCATTCCAGGAGGACCAGCCGCCCACCCCCGTGCC[C>T]AGCGCTGAGGAGGAGAATGTGGGTCTCCATGTGCCCTGCGGGTACTTGGTGCCTGTACCC-3'
Protein context (NP_055444.2, residues 100-120): FQEDQPPTPV[Pro110=]SAEEENVGLH